The following is an entry in ClinVar:

NM_001267550.2(TTN):c.15277C>T (p.Leu5093=)

Gene: TTN (titin; minus strand). Cytogenetic location: 2q31.2.
Variant type: single nucleotide variant.
Coding change: c.15277C>T on transcript NM_001267550.2 (MANE Select); coding-DNA position 15277, C replaced by T.
Protein change: p.Leu5093=; no amino-acid change (leucine 5093 retained).
Molecular consequence: synonymous variant. On other transcripts: intron variant (3).
Genome position (GRCh38, 1-based): chr2:178,734,547, G>A on the plus strand (C>T on the coding strand, the complement: TTN is on the minus strand). VCF-style: chr2-178734547-G-A. GRCh37 (hg19) VCF-style: chr2-179599274-G-A.
Other names: c.14326C>T, p.Leu4776= (NM_001256850.1); c.11545C>T, p.Leu3849= (NM_133378.4); c.13282+3535C>T (NM_003319.4); c.13858+3535C>T (NM_133437.4); c.13657+3535C>T (NM_133432.3).
Identifiers: ClinVar variation 1148273 (VCV001148273.10), dbSNP rs764663290, ClinGen allele CA2002250.

ClinVar aggregate classification (germline): Likely benign. Review status: criteria provided, multiple submitters, no conflicts (2 of 4 stars). 2 submissions from 2 submitters: Likely benign (2). Last evaluated 2025-07-30.

Conditions:
TTN-related disorder. Also called: TTN-related condition; TTN-related disease; TTN-related disorders.
Autosomal recessive limb-girdle muscular dystrophy type 2J (LGMDR10). Also called: Limb-girdle muscular dystrophy, type 2J; MUSCULAR DYSTROPHY, LIMB-GIRDLE, AUTOSOMAL RECESSIVE 10. Identifiers: Orphanet 140922, MedGen C1837342, MONDO:0012127, OMIM 608807.
Dilated cardiomyopathy 1G (CMD1G). Identifiers: Orphanet 154, MedGen C1858763, MONDO:0011400, OMIM 604145.

gnomAD v4.1: 22 of 1,607,806 alleles (0.0014%); highest among the groups gnomAD compares: African/African-American, 0.027%; no homozygotes.

Submissions (2):

PreventionGenetics, part of Exact Sciences
Classification: Likely benign for TTN-related condition. Last evaluated: 2025-07-30. Review status: criteria provided, single submitter. Criteria: ACMG Guidelines, 2015. Collection method: clinical testing. Allele origin: germline.
Comment: This variant is classified as likely benign based on ACMG/AMP sequence variant interpretation guidelines (Richards et al. 2015 PMID: 25741868, with internal and published modifications).

Labcorp Genetics (formerly Invitae), Labcorp
Classification: Likely benign for Dilated cardiomyopathy 1G; Autosomal recessive limb-girdle muscular dystrophy type 2J. Last evaluated: 2025-07-21. Review status: criteria provided, single submitter. Criteria: Invitae Variant Classification Sherloc (09022015). Collection method: clinical testing. Allele origin: germline.